The following is an entry in ClinVar:

NM_002474.3(MYH11):c.2679G>C (p.Gln893His)

Gene: MYH11 (myosin heavy chain 11; minus strand). Cytogenetic location: 16p13.11.
Variant type: single nucleotide variant.
Coding change: c.2679G>C on transcript NM_002474.3 (MANE Select); coding-DNA position 2679, G replaced by C.
Protein change: p.Gln893His; replaces glutamine 893 with histidine.
Molecular consequence: missense variant.
Genome position (GRCh38, 1-based): chr16:15,741,643, C>G on the plus strand (G>C on the coding strand, the complement: MYH11 is on the minus strand). VCF-style: chr16-15741643-C-G. GRCh37 (hg19) VCF-style: chr16-15835500-C-G.
Other names: c.2700G>C, p.Gln900His (NM_001040113.2, NM_001040114.2); c.2679G>C, p.Gln893His (NM_022844.3); short protein forms Q893H, Q900H.
Identifiers: ClinVar variation 3387213 (VCV003387213.1).

ClinVar aggregate classification (germline): Uncertain significance (1 of 4 stars; one submission).

Conditions:
Familial thoracic aortic aneurysm and aortic dissection (TAAD). Also called: Thoracic aortic aneurysms and dissections. Identifiers: Orphanet 91387, MedGen C4707243, MONDO:0019625.

gnomAD v4.1: 6 of 1,613,626 alleles (0.00037%); highest among the groups gnomAD compares: African/African-American, 0.004%; no homozygotes.

Submission:

All of Us Research Program, National Institutes of Health
Classification: Uncertain significance for Familial thoracic aortic aneurysm and aortic dissection. Last evaluated: 2024-05-14. Review status: criteria provided, single submitter. Criteria: ACMG Guidelines, 2015. Collection method: clinical testing. Allele origin: germline. Inheritance: Autosomal dominant inheritance. Observed: 1 variant allele, 1 heterozygote.
Comment: This missense variant replaces glutamine with histidine at codon 900 of the MYH11 protein. Computational prediction tools indicate that this variant has a neutral impact on protein structure and function. To our knowledge, functional studies have not been reported for this variant. This variant has not been reported in individuals affected with MYH11-related disorders in the literature. This variant has not been identified in the general population by the Genome Aggregation Database (gnomAD). The available evidence is insufficient to determine the role of this variant in disease conclusively. Therefore, this variant is classified as a Variant of Uncertain Significance.

This study involves interpretation of variants in research participants for the purpose of population health screening. Participant phenotype was not available at the time of variant classification. Additional details can be found in publication PMID: 35346344, PMCID: PMC8962531